The following is an entry in ClinVar:

ClinVar aggregate classification (germline): Likely benign (0 of 4 stars; one submission).

Conditions:
ASH1L-related disorder. Also called: ASH1L-related condition.

Allele frequency attached by ClinVar (database versions not stated): ExAC 0.00002; gnomAD 0.00002; TOPMed 0.00002; gnomAD exomes 0.00003.
gnomAD v4.1: 47 of 1,612,864 alleles (0.0029%); highest among the groups gnomAD compares: Admixed American, 0.0084%; no homozygotes.

Submission:

PreventionGenetics, part of Exact Sciences
Classification: Likely benign for ASH1L-related condition. Last evaluated: 2019-04-25. Review status: no assertion criteria provided. Collection method: clinical testing. Allele origin: germline.
Comment: This variant is classified as likely benign based on ACMG/AMP sequence variant interpretation guidelines (Richards et al. 2015 PMID: 25741868, with internal and published modifications).

NM_018489.3(ASH1L):c.5640C>T (p.Asp1880=)

Gene: ASH1L (ASH1 like histone lysine methyltransferase; minus strand). Cytogenetic location: 1q22.
Variant type: single nucleotide variant.
Coding change: c.5640C>T on transcript NM_018489.3 (MANE Select); coding-DNA position 5640, C replaced by T.
Protein change: p.Asp1880=; no amino-acid change (aspartic acid 1880 retained).
Molecular consequence: synonymous variant.
Genome position (GRCh38, 1-based): chr1:155,438,515, G>A on the plus strand (C>T on the coding strand, the complement: ASH1L is on the minus strand). VCF-style: chr1-155438515-G-A. GRCh37 (hg19) VCF-style: chr1-155408306-G-A.
Other names: c.5640C>T, p.Asp1880= (NM_001366177.2).
Identifiers: ClinVar variation 3039787 (VCV003039787.2), dbSNP rs762380667, ClinGen allele CA1146722.